The following is an entry in ClinVar:

NM_001110556.2(FLNA):c.1479G>C (p.Lys493Asn)

Gene: FLNA (filamin A; minus strand). Cytogenetic location: Xq28.
Variant type: single nucleotide variant.
Coding change: c.1479G>C on transcript NM_001110556.2 (MANE Select); coding-DNA position 1479, G replaced by C.
Protein change: p.Lys493Asn; replaces lysine 493 with asparagine.
Molecular consequence: missense variant.
Genome position (GRCh38, 1-based): chrX:154,365,437, C>G on the plus strand (G>C on the coding strand, the complement: FLNA is on the minus strand). VCF-style: chrX-154365437-C-G. GRCh37 (hg19) VCF-style: chrX-153593805-C-G.
Other names: c.1479G>C, p.Lys493Asn (NM_001456.4); short protein forms K493N.
Identifiers: ClinVar variation 464974 (VCV000464974.14), dbSNP rs1557179001, ClinGen allele CA415243484.

ClinVar aggregate classification (germline): Uncertain significance. Review status: criteria provided, multiple submitters, no conflicts (2 of 4 stars). 3 submissions from 3 submitters: Uncertain significance (2). 1 of the submissions does not count toward it. Last evaluated 2022-09-27.

Conditions:
FG syndrome 2 (FGS2). Identifiers: MedGen C1845902, MONDO:0010297, OMIM 300321.
Heterotopia, periventricular, X-linked dominant (PVNH1). Also called: PERIVENTRICULAR NODULAR HETEROTOPIA 1; X-linked periventricular heterotopia; PERIVENTRICULAR NODULAR HETEROTOPIA 4; HETEROTOPIA, PERIVENTRICULAR, 1. Identifiers: Orphanet 2149, Orphanet 82004, MedGen C1848213, MONDO:0010233, OMIM 300049.
Oto-palato-digital syndrome, type II (OPD2). Also called: FACIOPALATOOSSEOUS SYNDROME; OPD II SYNDROME; Otopalatodigital Syndrome Type 2 (FLNA-OPD2); Otopalatodigital Syndrome, Type II. Identifiers: Orphanet 669, Orphanet 90652, MedGen C1844696, MONDO:0010571, OMIM 304120.
Frontometaphyseal dysplasia (FMD1). Identifiers: Orphanet 1826, MedGen C0265293, MONDO:0015942.
Melnick-Needles syndrome (MNS). Also called: MELNICK-NEEDLES OSTEODYSPLASTY; OSTEODYSPLASTY OF MELNICK AND NEEDLES; Melnick-Needles Syndrome (FLNA-MNS). Identifiers: Orphanet 2484, MedGen C0025237, MONDO:0010650, OMIM 309350.

Submissions (3):

Labcorp Genetics (formerly Invitae), Labcorp
Classification: Uncertain significance for Oto-palato-digital syndrome, type II; Heterotopia, periventricular, X-linked dominant; Frontometaphyseal dysplasia; Melnick-Needles syndrome. Last evaluated: 2022-09-27. Review status: criteria provided, single submitter. Criteria: Invitae Variant Classification Sherloc (09022015). Collection method: clinical testing. Allele origin: germline.
Comment: In summary, the available evidence is currently insufficient to determine the role of this variant in disease. Therefore, it has been classified as a Variant of Uncertain Significance. Advanced modeling of protein sequence and biophysical properties (such as structural, functional, and spatial information, amino acid conservation, physicochemical variation, residue mobility, and thermodynamic stability) performed at Invitae indicates that this missense variant is not expected to disrupt FLNA protein function. ClinVar contains an entry for this variant (Variation ID: 464974). This variant has not been reported in the literature in individuals affected with FLNA-related conditions. This variant is not present in population databases (gnomAD no frequency). This sequence change replaces lysine, which is basic and polar, with asparagine, which is neutral and polar, at codon 493 of the FLNA protein (p.Lys493Asn).

GeneDx
Classification: Uncertain significance. Last evaluated: 2021-11-11. Review status: criteria provided, single submitter. Criteria: GeneDx Variant Classification Process June 2021. Collection method: clinical testing. Allele origin: germline. Affected: yes.
Comment: Not observed at significant frequency in large population cohorts (gnomAD); In silico analysis supports that this missense variant has a deleterious effect on protein structure/function; Has not been previously published as pathogenic or benign to our knowledge

Service de Génétique Moléculaire, Hôpital Robert Debré
Classification: Likely benign for FG syndrome 2. Review status: no assertion criteria provided. Collection method: clinical testing. Allele origin: unknown. Affected: yes. Not counted in ClinVar's aggregate classification.